The following is an entry in ClinVar:

ClinVar aggregate classification (germline): Pathogenic. Review status: reviewed by expert panel (3 of 4 stars). 2 submissions from 2 submitters: Pathogenic (1). 1 of the submissions does not count toward it. Last evaluated 2017-12-15.

Conditions:
Breast-ovarian cancer, familial, susceptibility to, 2 (BROVCA2). Also called: BRCA2 Hereditary Breast and Ovarian Cancer. Identifiers: Orphanet 145, MedGen C2675520, MONDO:0012933, OMIM 612555. Disease mechanism: loss of function.
Familial cancer of breast. Also called: BREAST CANCER, FAMILIAL; Hereditary breast cancer; hereditary breast carcinoma. Identifiers: Orphanet 227535, MedGen C0346153, MONDO:0016419, OMIM 114480. Disease mechanism: loss of function.

Submissions (2):

Evidence-based Network for the Interpretation of Germline Mutant Alleles (ENIGMA)
Classification: Pathogenic for Breast-ovarian cancer, familial, susceptibility to, 2. Last evaluated: 2017-12-15. Review status: reviewed by expert panel. Criteria: ENIGMA BRCA1/2 Classification Criteria (2017-06-29). Collection method: curation. Allele origin: germline. Study: ENIGMA.
Comment: Variant allele predicted to encode a truncated non-functional protein.

ClinVar Staff, National Center for Biotechnology Information (NCBI)
No classification provided. Condition: Familial cancer of breast. Review status: no classification provided. Collection method: literature only. Allele origin: germline. Affected: yes. Not counted in ClinVar's aggregate classification.

Literature cited by the submitters: PubMed 22762150 (cited by ClinVar Staff, National Center for Biotechnology Information (NCBI)).

NM_000059.4(BRCA2):c.1612_1613del (p.Ser538fs)

Gene: BRCA2 (BRCA2 DNA repair associated; plus strand). Cytogenetic location: 13q13.1.
Variant type: Deletion.
Coding change: c.1612_1613del on transcript NM_000059.4 (MANE Select); coding-DNA positions 1612 to 1613, 2 bases deleted (AG; older notation c.1612_1613delAG).
Protein change: p.Ser538fs; shifts the reading frame from serine 538.
Molecular consequence: frameshift variant.
Genome position (GRCh38, 1-based): chr13:32,333,090-32,333,091, AG deleted. VCF-style (leftmost placement, unchanged base first): chr13-32333089-AAG-A. GRCh37 (hg19) VCF-style: chr13-32907226-AAG-A.
Other names: c.1612_1613delAG (NM_000059.3); short protein forms S538fs.
Identifiers: ClinVar variation 51155 (VCV000051155.3), dbSNP rs397507597, ClinGen allele CA012626.